The following is an entry in ClinVar:

ClinVar aggregate classification (germline): Pathogenic (1 of 4 stars; one submission).

Conditions:
Nephronophthisis. Also called: Juvenile Nephronophthisis. Identifiers: Orphanet 655, MedGen C0687120, MONDO:0019005, HP:0000090.

Submission:

Labcorp Genetics (formerly Invitae), Labcorp
Classification: Pathogenic for Nephronophthisis. Last evaluated: 2022-07-06. Review status: criteria provided, single submitter. Criteria: Invitae Variant Classification Sherloc (09022015). Collection method: clinical testing. Allele origin: germline.
Comment: For these reasons, this variant has been classified as Pathogenic. ClinVar contains an entry for this variant (Variation ID: 1427636). This variant has not been reported in the literature in individuals affected with NPHP1-related conditions. This variant is not present in population databases (gnomAD no frequency). This sequence change creates a premature translational stop signal (p.Pro527Leufs*16) in the NPHP1 gene. It is expected to result in an absent or disrupted protein product. Loss-of-function variants in NPHP1 are known to be pathogenic (PMID: 23559409).

Literature cited by the submitters: PubMed 23559409.

NM_001128178.3(NPHP1):c.1412del (p.Pro471fs)

Gene: NPHP1 (nephrocystin 1; minus strand). Cytogenetic location: 2q13.
Variant type: Deletion.
Coding change: c.1412del on transcript NM_001128178.3 (MANE Select); coding-DNA position 1412, one base deleted (C; older notation c.1412delC).
Protein change: p.Pro471fs; shifts the reading frame from proline 471.
Molecular consequence: frameshift variant.
Genome position (GRCh38, 1-based): chr2:110,144,510, G deleted on the plus strand (C on the coding strand, the reverse complement: NPHP1 is on the minus strand); the first of 3 consecutive G bases (chr2:110,144,510-110,144,512); deleting any one gives the same sequence. VCF-style (leftmost placement, unchanged base first): chr2-110144509-AG-A. GRCh37 (hg19) VCF-style: chr2-110902086-AG-A.
Other names: c.1580del, p.Pro527fs (NM_000272.5); c.1223del, p.Pro408fs (NM_001128179.3); c.1409del, p.Pro470fs (NM_001374256.1); c.1412del, p.Pro471fs (NM_001374257.1); c.1577del, p.Pro526fs (NM_207181.4); short protein forms P527fs, P471fs, P526fs, P408fs, P470fs.
Identifiers: ClinVar variation 1427636 (VCV001427636.6), dbSNP rs1680874514, ClinGen allele CA1278828932.